The following is an entry in ClinVar:

NM_015662.3(IFT172):c.408T>C (p.Arg136=)

Gene: IFT172 (intraflagellar transport 172; minus strand). Cytogenetic location: 2p23.3.
Variant type: single nucleotide variant.
Coding change: c.408T>C on transcript NM_015662.3 (MANE Select); coding-DNA position 408, T replaced by C.
Protein change: p.Arg136=; no amino-acid change (arginine 136 retained).
Molecular consequence: synonymous variant.
Genome position (GRCh38, 1-based): chr2:27,483,654, A>G on the plus strand (T>C on the coding strand, the complement: IFT172 is on the minus strand). VCF-style: chr2-27483654-A-G. GRCh37 (hg19) VCF-style: chr2-27706521-A-G.
Other names: c.408T>C, p.Arg136= (NM_001410739.1).
Identifiers: ClinVar variation 3356415 (VCV003356415.1).

ClinVar aggregate classification (germline): Likely benign (0 of 4 stars; one submission).

Conditions:
IFT172-related disorder. Also called: IFT172-related disorders; IFT172-related condition.

gnomAD v4.1: 1 of 1,614,176 alleles (0.000062%); no homozygotes.

Submission:

PreventionGenetics, part of Exact Sciences
Classification: Likely benign for IFT172-related condition. Last evaluated: 2023-02-23. Review status: no assertion criteria provided. Collection method: clinical testing. Allele origin: germline.
Comment: This variant is classified as likely benign based on ACMG/AMP sequence variant interpretation guidelines (Richards et al. 2015 PMID: 25741868, with internal and published modifications).